The following is an entry in ClinVar:

NM_000932.5(PLCB3):c.473C>T (p.Thr158Met)

Gene: PLCB3 (phospholipase C beta 3; plus strand). Cytogenetic location: 11q13.1.
Variant type: single nucleotide variant.
Coding change: c.473C>T on transcript NM_000932.5 (MANE Select); coding-DNA position 473, C replaced by T.
Protein change: p.Thr158Met; replaces threonine 158 with methionine.
Molecular consequence: missense variant.
Genome position (GRCh38, 1-based): chr11:64,255,401, C>T. VCF-style: chr11-64255401-C-T. GRCh37 (hg19) VCF-style: chr11-64022873-C-T.
Other names: c.272C>T, p.Thr91Met (NM_001184883.2); c.473C>T, p.Thr158Met (NM_001316314.3); c.473C>T (NM_001316314.1); short protein forms T91M, T158M.
Identifiers: ClinVar variation 747334 (VCV000747334.6), dbSNP rs199645363, ClinGen allele CA6071162.

ClinVar aggregate classification (germline): Likely benign. Review status: criteria provided, multiple submitters, no conflicts (2 of 4 stars). 3 submissions from 3 submitters: Likely benign (2). 1 of the submissions does not count toward it. Last evaluated 2019-01-02.

Conditions:
PLCB3-related disorder. Also called: PLCB3-related condition.

Allele frequency attached by ClinVar (database versions not stated): ESP Exome Variant Server 0.00008; gnomAD 0.00014 and 0.00022; TOPMed 0.00017; 1000 Genomes Project 0.00040; 1000 Genomes Project 30x 0.00047; ExAC 0.00053.

Submissions (3):

Labcorp Genetics (formerly Invitae), Labcorp
Classification: Likely benign. Last evaluated: 2019-01-02. Review status: criteria provided, single submitter. Criteria: Invitae Variant Classification Sherloc (09022015). Collection method: clinical testing. Allele origin: germline.

Breakthrough Genomics
Classification: Likely benign. Review status: criteria provided, single submitter. Criteria: ACMG Guidelines, 2015. Collection method: not provided. Allele origin: germline. Inheritance: Autosomal recessive inheritance. Affected: yes.

PreventionGenetics, part of Exact Sciences
Classification: Likely benign for PLCB3-related condition. Last evaluated: 2023-03-18. Review status: no assertion criteria provided. Collection method: clinical testing. Allele origin: germline. Not counted in ClinVar's aggregate classification.
Comment: This variant is classified as likely benign based on ACMG/AMP sequence variant interpretation guidelines (Richards et al. 2015 PMID: 25741868, with internal and published modifications).